The following is an entry in ClinVar:

ClinVar aggregate classification (germline): Uncertain significance. Review status: criteria provided, multiple submitters, no conflicts (2 of 4 stars). 2 submissions from 2 submitters: Uncertain significance (2). Last evaluated 2025-11-08.

Conditions:
Early-onset Parkinson disease 20. Also called: PARKINSON DISEASE 20, AUTOSOMAL RECESSIVE EARLY-ONSET. Identifiers: Orphanet 391411, MedGen C3809824, MONDO:0014233, OMIM 615530.
Developmental and epileptic encephalopathy, 53. Also called: Epileptic encephalopathy, early infantile, 53. Identifiers: MedGen C4479313, MONDO:0033362, OMIM 617389.

Allele frequency attached by ClinVar (database versions not stated): TOPMed 0.00002.
gnomAD v4.1: 30 of 1,613,470 alleles (0.0019%); highest among the groups gnomAD compares: Non-Finnish European, 0.0023%; no homozygotes.

Submissions (2):

Mayo Clinic Laboratories, Mayo Clinic
Classification: Uncertain significance. Last evaluated: 2025-11-08. Review status: criteria provided, single submitter. Criteria: ACMG Guidelines, 2015. Collection method: clinical testing. Allele origin: germline. Observed: 1 variant allele.

Labcorp Genetics (formerly Invitae), Labcorp
Classification: Uncertain significance for Developmental and epileptic encephalopathy, 53; Early-onset Parkinson disease 20. Last evaluated: 2024-12-02. Review status: criteria provided, single submitter. Criteria: Invitae Variant Classification Sherloc (09022015). Collection method: clinical testing. Allele origin: germline.
Comment: This sequence change replaces arginine, which is basic and polar, with leucine, which is neutral and non-polar, at codon 309 of the SYNJ1 protein (p.Arg309Leu). This variant is present in population databases (rs532075408, gnomAD 0.004%). This variant has not been reported in the literature in individuals affected with SYNJ1-related conditions. ClinVar contains an entry for this variant (Variation ID: 1000830). Invitae Evidence Modeling of protein sequence and biophysical properties (such as structural, functional, and spatial information, amino acid conservation, physicochemical variation, residue mobility, and thermodynamic stability) indicates that this missense variant is expected to disrupt SYNJ1 protein function with a positive predictive value of 80%. In summary, the available evidence is currently insufficient to determine the role of this variant in disease. Therefore, it has been classified as a Variant of Uncertain Significance.

NM_203446.3(SYNJ1):c.809G>T (p.Arg270Leu)

Gene: SYNJ1 (synaptojanin 1; minus strand). Cytogenetic location: 21q22.11.
Variant type: single nucleotide variant.
Coding change: c.809G>T on transcript NM_203446.3 (MANE Select); coding-DNA position 809, G replaced by T.
Protein change: p.Arg270Leu; replaces arginine 270 with leucine.
Molecular consequence: missense variant.
Genome position (GRCh38, 1-based): chr21:32,688,348, C>A on the plus strand (G>T on the coding strand, the complement: SYNJ1 is on the minus strand). VCF-style: chr21-32688348-C-A. GRCh37 (hg19) VCF-style: chr21-34060658-C-A.
Other names: p.Arg309Leu; c.809G>T, p.Arg270Leu (NM_001160302.2, NM_001160306.2); c.926G>T, p.Arg309Leu (NM_003895.4); short protein forms R270L, R309L.
Identifiers: ClinVar variation 1000830 (VCV001000830.7), dbSNP rs532075408, ClinGen allele CA10004034.
Genomic context (GRCh38, chr21:32,688,348, plus strand): 5'-ATGTAAAAATTGTCTTACCTGTCAAAAGCAGGTGCATTGGCTTCAAATCCCCTTGACATA[C>A]GGACACGATGAGATCCCACCTTAGACAAGAAAAATATATTTAATCAAACCAAAAACCAAC-3'
Protein context (NP_982271.3, residues 260-280): PGLQVGSHRV[Arg270Leu]MSRGFEANAP